The following is an entry in ClinVar:

NM_016562.4(TLR7):c.752_753del (p.Leu251fs)

Gene: TLR7 (toll like receptor 7; plus strand). Cytogenetic location: Xp22.2.
Variant type: Deletion.
Coding change: c.752_753del on transcript NM_016562.4 (MANE Select); coding-DNA positions 752 to 753, 2 bases deleted (TA; older notation c.752_753delTA).
Protein change: p.Leu251fs; shifts the reading frame from leucine 251.
Molecular consequence: frameshift variant.
Genome position (GRCh38, 1-based): chrX:12,886,260-12,886,261, TA deleted. VCF-style (leftmost placement, unchanged base first): chrX-12886259-TTA-T. GRCh37 (hg19) VCF-style: chrX-12904378-TTA-T.
Other names: short protein forms L251fs.
Identifiers: ClinVar variation 2029901 (VCV002029901.4), dbSNP rs2518437665, ClinGen allele CA2580100023.
Genomic context (GRCh38, chrX:12,886,259, plus strand): 5'-TATCTCTACAACAACATGATTGCAAAAATCCAAGAAGATGATTTTAATAACCTCAACCAA[TTA>T]CAAATTCTTGACCTAAGTGGAAATTGCCCTCGTTGTTATAATGCCCCATTTCCTTGTGCG-3'

ClinVar aggregate classification (germline): Uncertain significance (1 of 4 stars; one submission).

Submission:

Labcorp Genetics (formerly Invitae), Labcorp
Classification: Uncertain significance. Last evaluated: 2024-04-08. Review status: criteria provided, single submitter. Criteria: Invitae Variant Classification Sherloc (09022015). Collection method: clinical testing. Allele origin: germline.
Comment: This sequence change creates a premature translational stop signal (p.Leu251Serfs*4) in the TLR7 gene. While this is not anticipated to result in nonsense mediated decay, it is expected to disrupt the last 799 amino acid(s) of the TLR7 protein. This variant is not present in population databases (gnomAD no frequency). This variant has not been reported in the literature in individuals affected with TLR7-related conditions. ClinVar contains an entry for this variant (Variation ID: 2029901). Experimental studies and prediction algorithms are not available or were not evaluated, and the functional significance of this variant is currently unknown. In summary, the available evidence is currently insufficient to determine the role of this variant in disease. Therefore, it has been classified as a Variant of Uncertain Significance.